The following is an entry in ClinVar:

NM_001354980.2(PNMA6F):c.609A>G (p.Ala203=)

Gene: PNMA6F (PNMA family member 6F; minus strand). Cytogenetic location: Xq28.
Variant type: single nucleotide variant.
Coding change: c.609A>G on transcript NM_001354980.2 (MANE Select); coding-DNA position 609, A replaced by G.
Protein change: p.Ala203=; no amino-acid change (alanine 203 retained).
Molecular consequence: synonymous variant.
Genome position (GRCh38, 1-based): chrX:153,320,066, T>C on the plus strand (A>G on the coding strand, the complement: PNMA6F is on the minus strand). VCF-style: chrX-153320066-T-C. GRCh37 (hg19) VCF-style: chrX-152585524-T-C.
Identifiers: ClinVar variation 2661677 (VCV002661677.24), dbSNP rs2520403043, ClinGen allele CA2694999641.

ClinVar aggregate classification (germline): Likely benign (1 of 4 stars; one submission).

Submission:

CeGaT Center for Human Genetics Tuebingen
Classification: Likely benign. Last evaluated: 2022-07-01. Review status: criteria provided, single submitter. Criteria: CeGaT Center For Human Genetics Tuebingen Variant Classification Criteria Version 2. Collection method: clinical testing. Allele origin: germline. Affected: yes. Observed: 1 variant allele.
Comment: PNMA6F: PM2:Supporting, BP4, BP7